The following is an entry in ClinVar:

NM_024537.4(CARS2):c.1318-8T>A

Gene: CARS2 (cysteinyl-tRNA synthetase 2, mitochondrial; minus strand). Cytogenetic location: 13q34.
Variant type: single nucleotide variant.
Coding change: c.1318-8T>A on transcript NM_024537.4 (MANE Select); 8 bases into the intron before coding-DNA position 1318, T replaced by A.
Molecular consequence: intron variant. On other transcripts: non-coding transcript variant (1).
Genome position (GRCh38, 1-based): chr13:110,644,491, A>T on the plus strand (T>A on the coding strand, the complement: CARS2 is on the minus strand). VCF-style: chr13-110644491-A-T. GRCh37 (hg19) VCF-style: chr13-111296838-A-T.
Other names: c.532-8T>A (NM_001352252.2).
Identifiers: ClinVar variation 1348420 (VCV001348420.3), dbSNP rs1044806231, ClinGen allele CA256323832.

ClinVar aggregate classification (germline): Uncertain significance (1 of 4 stars; one submission).

Conditions:
Combined oxidative phosphorylation defect type 27. Also called: Combined oxidative phosphorylation deficiency 27. Identifiers: Orphanet 477774, MedGen C5567608, MONDO:0014728, OMIM 616672.

Allele frequency attached by ClinVar (database versions not stated): gnomAD exomes below 0.00001; TOPMed below 0.00001.
gnomAD v4.1: 1 of 1,613,920 alleles (0.000062%); highest among the groups gnomAD compares: Non-Finnish European, 0.000085%; no homozygotes.

Submission:

Labcorp Genetics (formerly Invitae), Labcorp
Classification: Uncertain significance for Combined oxidative phosphorylation defect type 27. Last evaluated: 2021-10-31. Review status: criteria provided, single submitter. Criteria: Invitae Variant Classification Sherloc (09022015). Collection method: clinical testing. Allele origin: germline.
Comment: This sequence change falls in intron 12 of the CARS2 gene. It does not directly change the encoded amino acid sequence of the CARS2 protein. This variant is not present in population databases (gnomAD no frequency). This variant has not been reported in the literature in individuals affected with CARS2-related conditions. Algorithms developed to predict the effect of sequence changes on RNA splicing suggest that this variant may disrupt the consensus splice site. In summary, the available evidence is currently insufficient to determine the role of this variant in disease. Therefore, it has been classified as a Variant of Uncertain Significance.